The following is an entry in ClinVar:

NM_020778.5(ALPK3):c.199A>G (p.Ile67Val)

Gene: ALPK3 (alpha kinase 3; plus strand). Cytogenetic location: 15q25.3.
Variant type: single nucleotide variant.
Coding change: c.199A>G on transcript NM_020778.5 (MANE Select); coding-DNA position 199, A replaced by G.
Protein change: p.Ile67Val; replaces isoleucine 67 with valine.
Molecular consequence: missense variant.
Genome position (GRCh38, 1-based): chr15:84,827,500, A>G. VCF-style: chr15-84827500-A-G. GRCh37 (hg19) VCF-style: chr15-85370731-A-G.
Other names: short protein forms I67V.
Identifiers: ClinVar variation 1717142 (VCV001717142.5), dbSNP rs2505697179, ClinGen allele CA393370697.
Genomic context (GRCh38, chr15:84,827,500, plus strand): 5'-GTTGTGGGGAAGGCCAGCTCTGAATAGCTCTTTGCCTCTCTTAGGAGCACCTTCTGCTCC[A>G]TCATTGCTCAGCTCACAGAGGAGACCCAGCCGCTATTTGAGACCACGCTCAAGTCCCGGT-3'
Protein context (NP_065829.4, residues 57-77): PSSGRSTFCS[Ile67Val]IAQLTEETQP

ClinVar aggregate classification (germline): Uncertain significance (1 of 4 stars; one submission).

Submission:

Labcorp Genetics (formerly Invitae), Labcorp
Classification: Uncertain significance. Last evaluated: 2022-08-20. Review status: criteria provided, single submitter. Criteria: Invitae Variant Classification Sherloc (09022015). Collection method: clinical testing. Allele origin: germline.
Comment: In summary, the available evidence is currently insufficient to determine the role of this variant in disease. Therefore, it has been classified as a Variant of Uncertain Significance. Algorithms developed to predict the effect of missense changes on protein structure and function output the following: SIFT: "Deleterious"; PolyPhen-2: "Benign"; Align-GVGD: "Class C0". The valine amino acid residue is found in multiple mammalian species, which suggests that this missense change does not adversely affect protein function. This variant has not been reported in the literature in individuals affected with ALPK3-related conditions. This variant is not present in population databases (gnomAD no frequency). This sequence change replaces isoleucine, which is neutral and non-polar, with valine, which is neutral and non-polar, at codon 269 of the ALPK3 protein (p.Ile269Val).